The following is an entry in ClinVar:

ClinVar aggregate classification (germline): Likely benign (0 of 4 stars; one submission).

Conditions:
PIEZO1-related disorder. Also called: PIEZO1-related condition; PIEZO1-Related Disorders.

Submission:

PreventionGenetics, part of Exact Sciences
Classification: Likely benign for PIEZO1-related condition. Last evaluated: 2020-04-10. Review status: no assertion criteria provided. Collection method: clinical testing. Allele origin: germline.
Comment: This variant is classified as likely benign based on ACMG/AMP sequence variant interpretation guidelines (Richards et al. 2015 PMID: 25741868, with internal and published modifications).

NM_001142864.4(PIEZO1):c.2488-66CCCAAGCCCAGCCCCACGTGCCCACTGCCCTC[4]

Genes: HSALR1 (HSP90AB1 associated lncRNA 1; plus strand), PIEZO1 (piezo type mechanosensitive ion channel component 1 (Er blood group); minus strand). Cytogenetic location: 16q24.3.
Variant type: Microsatellite.
Coding change: c.2488-66CCCAAGCCCAGCCCCACGTGCCCACTGCCCTC[4] on transcript NM_001142864.4 (MANE Select); four copies in a row of the 32-base unit CCCAAGCCCAGCCCCACGTGCCCACTGCCCTC starting at c.2488-66; the reference has two copies in a row; two copies, 64 bases duplicated.
Molecular consequence: intron variant.
Genome position (GRCh38, 1-based): chr16:88,733,457-88,733,520, 64 bases duplicated. GRCh37 (hg19), VCF-style position (the base before the change): chr16:88,799,864.
Identifiers: ClinVar variation 3055237 (VCV003055237.2), dbSNP rs747907132, ClinGen allele CA980375191.